The following is an entry in ClinVar:

ClinVar aggregate classification (germline): Likely pathogenic (1 of 4 stars; one submission).

Conditions:
CFTR-related disorder (CFTR-RD). Also called: CFTR-related disorders; CFTR-related condition. Identifiers: MedGen C5924204, MONDO:7770004.

Submission:

Natera, Inc.
Classification: Likely pathogenic for CFTR-related disorders. Last evaluated: 2024-10-15. Review status: criteria provided, single submitter. Criteria: Natera Variant Classification Schema (03/2026). Collection method: clinical testing. Allele origin: germline.
Comment: The c.4231del variant in CFTR is a frameshift variant predicted to shift the reading frame beginning at codon 1411 and leads to a stop codon 6 codons downstream. This variant is expected to result in nonsense mediated decay, truncation, or a dysfunctional protein product. This variant is rare in the general population with a frequency below the threshold expected for the associated phenotype(s). Given the available evidence, this variant is classified as Likely Pathogenic.

NM_000492.4(CFTR):c.4231del (p.Gln1411fs)

Gene: CFTR (CF transmembrane conductance regulator; plus strand). Cytogenetic location: 7q31.2.
Variant type: Deletion.
Coding change: c.4231del on transcript NM_000492.4 (MANE Select); coding-DNA position 4231, one base deleted (C; older notation c.4231delC).
Protein change: p.Gln1411fs; shifts the reading frame from glutamine 1411.
Molecular consequence: frameshift variant.
Genome position (GRCh38, 1-based): chr7:117,665,553, C deleted; the last of 2 consecutive C bases (chr7:117,665,552-117,665,553); deleting either gives the same sequence. VCF-style (leftmost placement, unchanged base first): chr7-117665551-GC-G. GRCh37 (hg19) VCF-style: chr7-117305605-GC-G.
Other names: c.4231delC, p.Gln1411Asnfs (NM_000492.3); short protein forms Q1411fs.
Identifiers: ClinVar variation 4818556 (VCV004818556.1).